The following is an entry in ClinVar:

ClinVar aggregate classification (germline): Uncertain significance (1 of 4 stars; one submission).

Submission:

Ambry Genetics
Classification: Uncertain significance. Last evaluated: 2022-06-12. Review status: criteria provided, single submitter. Criteria: Ambry Variant Classification Scheme 2023. Collection method: clinical testing. Allele origin: germline.
Comment: The p.G1751E variant (also known as c.5252G>A), located in coding exon 16 of the POLQ gene, results from a G to A substitution at nucleotide position 5252. The glycine at codon 1751 is replaced by glutamic acid, an amino acid with similar properties. This amino acid position is conserved. In addition, this alteration is predicted to be tolerated by in silico analysis. Since supporting evidence is limited at this time, the clinical significance of this alteration remains unclear.

NM_199420.4(POLQ):c.5252G>A (p.Gly1751Glu)

Gene: POLQ (DNA polymerase theta; minus strand). Cytogenetic location: 3q13.33.
Variant type: single nucleotide variant.
Coding change: c.5252G>A on transcript NM_199420.4 (MANE Select); coding-DNA position 5252, G replaced by A.
Protein change: p.Gly1751Glu; replaces glycine 1751 with glutamic acid.
Molecular consequence: missense variant.
Genome position (GRCh38, 1-based): chr3:121,487,679, C>T on the plus strand (G>A on the coding strand, the complement: POLQ is on the minus strand). VCF-style: chr3-121487679-C-T. GRCh37 (hg19) VCF-style: chr3-121206526-C-T.
Other names: short protein forms G1751E.
Identifiers: ClinVar variation 1746374 (VCV001746374.2), dbSNP rs2546784926, ClinGen allele CA354090797.
Genomic context (GRCh38, chr3:121,487,679, plus strand): 5'-CTTTCACCAGGTTGTAAAACATTATTAGTTTTCCAAGGGTTTACAGGTGTTTCAAGAATC[C>T]CTGGAAATGTCAGCTTAGAAGCAGATGTTGGAATGGGTGTAGGAGGAATGAGACCATTAT-3'
Protein context (NP_955452.3, residues 1741-1761): PTSASKLTFP[Gly1751Glu]ILETPVNPWK